The following is an entry in ClinVar:

ClinVar aggregate classification (germline): Uncertain significance (1 of 4 stars; one submission).

Submission:

Labcorp Genetics (formerly Invitae), Labcorp
Classification: Uncertain significance. Last evaluated: 2022-04-08. Review status: criteria provided, single submitter. Criteria: Invitae Variant Classification Sherloc (09022015). Collection method: clinical testing. Allele origin: germline.
Comment: In summary, the available evidence is currently insufficient to determine the role of this variant in disease. Therefore, it has been classified as a Variant of Uncertain Significance. Algorithms developed to predict the effect of missense changes on protein structure and function output the following: SIFT: "Tolerated"; PolyPhen-2: "Benign"; Align-GVGD: "Class C0". The aspartic acid amino acid residue is found in multiple mammalian species, which suggests that this missense change does not adversely affect protein function. This variant has not been reported in the literature in individuals affected with TNFRSF6B-related conditions. This variant is not present in population databases (gnomAD no frequency). This sequence change replaces glutamic acid, which is acidic and polar, with aspartic acid, which is acidic and polar, at codon 42 of the TNFRSF6B protein (p.Glu42Asp).

NM_003823.4(TNFRSF6B):c.126G>C (p.Glu42Asp)

Genes: RTEL1-TNFRSF6B (RTEL1-TNFRSF6B readthrough (NMD candidate); plus strand), TNFRSF6B (TNF receptor superfamily member 6b; plus strand). Cytogenetic location: 20q13.33.
Variant type: single nucleotide variant.
Coding change: c.126G>C on transcript NM_003823.4 (MANE Select); coding-DNA position 126, G replaced by C.
Protein change: p.Glu42Asp; replaces glutamic acid 42 with aspartic acid.
Molecular consequence: missense variant. On other transcripts: non-coding transcript variant (1).
Genome position (GRCh38, 1-based): chr20:63,696,893, G>C. VCF-style: chr20-63696893-G-C. GRCh37 (hg19) VCF-style: chr20-62328246-G-C.
Other names: short protein forms E42D.
Identifiers: ClinVar variation 2142925 (VCV002142925.4), dbSNP rs1024186135, ClinGen allele CA317533821.
Genomic context (GRCh38, chr20:63,696,893, plus strand): 5'-GCCGGTGCCGGCTGTACGCGGAGTGGCAGAAACACCCACCTACCCCTGGCGGGACGCAGA[G>C]ACAGGGGAGCGGCTGGTGTGCGCCCAGTGCCCCCCAGGCACCTTTGTGCAGCGGCCGTGC-3'
Protein context (NP_003814.1, residues 32-52): ETPTYPWRDA[Glu42Asp]TGERLVCAQC